The following is an entry in ClinVar:

ClinVar aggregate classification (germline): Uncertain significance (1 of 4 stars; one submission).

gnomAD v4.1: 1 of 1,614,094 alleles (0.000062%); highest among the groups gnomAD compares: Admixed American, 0.0017%; no homozygotes.

Submission:

Ambry Genetics
Classification: Uncertain significance. Last evaluated: 2024-04-20. Review status: criteria provided, single submitter. Criteria: Ambry Variant Classification Scheme 2023. Collection method: clinical testing. Allele origin: germline.
Comment: The p.E789G variant (also known as c.2366A>G), located in coding exon 4 of the ALPK2 gene, results from an A to G substitution at nucleotide position 2366. The glutamic acid at codon 789 is replaced by glycine, an amino acid with similar properties. This amino acid position is conserved. In addition, this alteration is predicted to be tolerated by in silico analysis. Based on the available evidence, the clinical significance of this variant remains unclear.

NM_052947.4(ALPK2):c.2366A>G (p.Glu789Gly)

Gene: ALPK2 (alpha kinase 2; minus strand). Cytogenetic location: 18q21.31.
Variant type: single nucleotide variant.
Coding change: c.2366A>G on transcript NM_052947.4 (MANE Select); coding-DNA position 2366, A replaced by G.
Protein change: p.Glu789Gly; replaces glutamic acid 789 with glycine.
Molecular consequence: missense variant.
Genome position (GRCh38, 1-based): chr18:58,537,821, T>C on the plus strand (A>G on the coding strand, the complement: ALPK2 is on the minus strand). VCF-style: chr18-58537821-T-C. GRCh37 (hg19) VCF-style: chr18-56205053-T-C.
Other names: short protein forms E789G.
Identifiers: ClinVar variation 3289184 (VCV003289184.1).